The following is an entry in ClinVar:

NM_001440.4(EXTL3):c.1699A>G (p.Met567Val)

Gene: EXTL3 (exostosin like glycosyltransferase 3; plus strand). Cytogenetic location: 8p21.1.
Variant type: single nucleotide variant.
Coding change: c.1699A>G on transcript NM_001440.4 (MANE Select); coding-DNA position 1699, A replaced by G.
Protein change: p.Met567Val; replaces methionine 567 with valine.
Molecular consequence: missense variant.
Genome position (GRCh38, 1-based): chr8:28,717,758, A>G. VCF-style: chr8-28717758-A-G. GRCh37 (hg19) VCF-style: chr8-28575275-A-G.
Other names: short protein forms M567V.
Identifiers: ClinVar variation 1960328 (VCV001960328.5), dbSNP rs777077240, ClinGen allele CA4696272.

ClinVar aggregate classification (germline): Uncertain significance (1 of 4 stars; one submission).

Allele frequency attached by ClinVar (database versions not stated): ExAC 0.00001.
gnomAD v4.1: 5 of 1,614,092 alleles (0.00031%); highest among the groups gnomAD compares: Admixed American, 0.0017%; no homozygotes.

Submission:

Labcorp Genetics (formerly Invitae), Labcorp
Classification: Uncertain significance. Last evaluated: 2022-01-07. Review status: criteria provided, single submitter. Criteria: Invitae Variant Classification Sherloc (09022015). Collection method: clinical testing. Allele origin: germline.
Comment: This variant has not been reported in the literature in individuals affected with EXTL3-related conditions. This variant is present in population databases (rs777077240, gnomAD 0.006%). This sequence change replaces methionine, which is neutral and non-polar, with valine, which is neutral and non-polar, at codon 567 of the EXTL3 protein (p.Met567Val). In summary, the available evidence is currently insufficient to determine the role of this variant in disease. Therefore, it has been classified as a Variant of Uncertain Significance. Algorithms developed to predict the effect of missense changes on protein structure and function (SIFT, PolyPhen-2, Align-GVGD) all suggest that this variant is likely to be tolerated.